The following is an entry in ClinVar:

ClinVar aggregate classification (germline): Uncertain significance (1 of 4 stars; one submission).

Submission:

Labcorp Genetics (formerly Invitae), Labcorp
Classification: Uncertain significance. Last evaluated: 2019-02-04. Review status: criteria provided, single submitter. Criteria: Invitae Variant Classification Sherloc (09022015). Collection method: clinical testing. Allele origin: germline.
Comment: This variant disrupts the p.Lys211 amino acid residue in PRKN. Other variant(s) that disrupt this residue have been observed in affected individuals (PMID: 25833766, 25939424, 11179010), which suggests that this may be a clinically significant amino acid residue. Algorithms developed to predict the effect of missense changes on protein structure and function are either unavailable or do not agree on the potential impact of this missense change (SIFT: "Deleterious"; PolyPhen-2: "Possibly Damaging"; Align-GVGD: "Class C0"). This variant has not been reported in the literature in individuals with PRKN-related disease. This variant is not present in population databases (ExAC no frequency). This sequence change replaces lysine with isoleucine at codon 211 of the PRKN protein (p.Lys211Ile). The lysine residue is highly conserved and there is a moderate physicochemical difference between lysine and isoleucine. In summary, the available evidence is currently insufficient to determine the role of this variant in disease. Therefore, it has been classified as a Variant of Uncertain Significance.

Literature cited by the submitters: PubMed 25833766; PubMed 25939424; PubMed 11179010.

NM_004562.3(PRKN):c.632A>T (p.Lys211Ile)

Gene: PRKN (parkin RBR E3 ubiquitin protein ligase; minus strand). Cytogenetic location: 6q26.
Variant type: single nucleotide variant.
Coding change: c.632A>T on transcript NM_004562.3 (MANE Select); coding-DNA position 632, A replaced by T.
Protein change: p.Lys211Ile; replaces lysine 211 with isoleucine.
Molecular consequence: missense variant.
Genome position (GRCh38, 1-based): chr6:161,973,404, T>A on the plus strand (A>T on the coding strand, the complement: PRKN is on the minus strand). VCF-style: chr6-161973404-T-A. GRCh37 (hg19) VCF-style: chr6-162394436-T-A.
Other names: c.548A>T, p.Lys183Ile (NM_013987.3); c.185A>T, p.Lys62Ile (NM_013988.3); short protein forms K62I, K183I, K211I.
Identifiers: ClinVar variation 649578 (VCV000649578.10), dbSNP rs1583425462, ClinGen allele CA366466997.